The following is an entry in ClinVar:

NM_194248.3(OTOF):c.42G>A (p.Arg14=)

Gene: OTOF (otoferlin; minus strand). Cytogenetic location: 2p23.3.
Variant type: single nucleotide variant.
Coding change: c.42G>A on transcript NM_194248.3 (MANE Select); coding-DNA position 42, G replaced by A.
Protein change: p.Arg14=; no amino-acid change (arginine 14 retained).
Molecular consequence: synonymous variant.
Genome position (GRCh38, 1-based): chr2:26,558,530, C>T on the plus strand (G>A on the coding strand, the complement: OTOF is on the minus strand). VCF-style: chr2-26558530-C-T. GRCh37 (hg19) VCF-style: chr2-26781398-C-T.
Other names: c.42G>A, p.Arg14= (NM_001287489.2).
Identifiers: ClinVar variation 48232 (VCV000048232.16), dbSNP rs6734111, ClinGen allele CA142882.

ClinVar aggregate classification (germline): Benign/Likely benign. Review status: criteria provided, multiple submitters, no conflicts (2 of 4 stars). 4 submissions from 4 submitters: Benign (2); Likely benign (2). Last evaluated 2026-01-28.

Allele frequency attached by ClinVar (database versions not stated): gnomAD exomes 0.00032 and 0.00086; ExAC 0.00102; ESP Exome Variant Server 0.00292; gnomAD 0.00308 and 0.00334; TOPMed 0.00352; 1000 Genomes Project 0.00359; 1000 Genomes Project 30x 0.00375.
gnomAD v4.1: 945 of 1,614,044 alleles (0.059%); highest among the groups gnomAD compares: African/African-American, 1.2%; 4 homozygotes.

Submissions (4):

Labcorp Genetics (formerly Invitae), Labcorp
Classification: Benign. Last evaluated: 2026-01-28. Review status: criteria provided, single submitter. Criteria: Invitae Variant Classification Sherloc (09022015). Collection method: clinical testing. Allele origin: germline.

Blueprint Genetics
Classification: Likely benign. Last evaluated: 2024-11-25. Review status: criteria provided, single submitter. Criteria: ACMG Guidelines, 2015. Collection method: clinical testing. Allele origin: germline.

GeneDx
Classification: Likely benign. Last evaluated: 2018-06-16. Review status: criteria provided, single submitter. Criteria: GeneDx Variant Classification (06012015). Collection method: clinical testing. Allele origin: germline. Affected: yes.
Comment: This variant is considered likely benign or benign based on one or more of the following criteria: it is a conservative change, it occurs at a poorly conserved position in the protein, it is predicted to be benign by multiple in silico algorithms, and/or has population frequency not consistent with disease.

Laboratory for Molecular Medicine, Mass General Brigham Personalized Medicine
Classification: Benign. Last evaluated: 2011-11-07. Review status: criteria provided, single submitter. Criteria: LMM Criteria. Collection method: clinical testing. Allele origin: germline. Observed: 4 variant alleles.
Comment: The Arg14Arg variant in OTOF is not expected to have clinical significance becau se it does not alter an amino acid residue, is not located near a splice junctio n, and has been identified in dbSNP in 18/4552 (0.4%) chromosomes from a North A merican population (dbSNP rs6734111).